The following is an entry in ClinVar:

ClinVar aggregate classification (germline): Uncertain significance (1 of 4 stars; one submission).

Conditions:
Immunodeficiency 39 (IMD39). Identifiers: Orphanet 574918, MedGen C4225358, MONDO:0014597, OMIM 616345.

Submission:

Labcorp Genetics (formerly Invitae), Labcorp
Classification: Uncertain significance for Immunodeficiency 39. Last evaluated: 2022-11-08. Review status: criteria provided, single submitter. Criteria: Invitae Variant Classification Sherloc (09022015). Collection method: clinical testing. Allele origin: germline.
Comment: In summary, the available evidence is currently insufficient to determine the role of this variant in disease. Therefore, it has been classified as a Variant of Uncertain Significance. This variant has not been reported in the literature in individuals affected with IRF7-related conditions. This sequence change creates a premature translational stop signal (p.Gln202Hisfs*208) in the IRF7 gene. It is expected to result in an absent or disrupted protein product. However, the current clinical and genetic evidence is not sufficient to establish whether loss-of-function variants in IRF7 cause disease. This variant is not present in population databases (gnomAD no frequency).

NM_001572.5(IRF7):c.567_585delinsTGACG (p.Gln189fs)

Gene: IRF7 (interferon regulatory factor 7; minus strand). Cytogenetic location: 11p15.5.
Variant type: Indel.
Coding change: c.567_585delinsTGACG on transcript NM_001572.5 (MANE Select); coding-DNA positions 567 to 585, GAGCTGCCTGGCAGACCAT replaced by TGACG.
Protein change: p.Gln189fs; shifts the reading frame from glutamine 189.
Molecular consequence: frameshift variant.
Genome position (GRCh38, 1-based): chr11:614,268-614,286, ATGGTCTGCCAGGCAGCTC replaced by CGTCA on the plus strand (GAGCTGCCTGGCAGACCAT replaced by TGACG on the coding strand, the reverse complement: IRF7 is on the minus strand). VCF-style: chr11-614268-ATGGTCTGCCAGGCAGCTC-CGTCA. GRCh37 (hg19) VCF-style: chr11-614268-ATGGTCTGCCAGGCAGCTC-CGTCA.
Other names: c.567_585delinsTGACG, p.Gln189fs (NM_004029.4); c.606_624delinsTGACG, p.Gln202fs (NM_004031.4); short protein forms Q202fs, Q189fs.
Identifiers: ClinVar variation 2044353 (VCV002044353.4), dbSNP rs2493925408, ClinGen allele CA2580084869.
Genomic context (GRCh38, chr11:614,268, plus strand): 5'-TTGTCCCTCTCCAGGAGCCTTGGTTGGGACTGGATCTGCCCCCCATGACGCTGTCAGCAG[ATGGTCTGCCAGGCAGCTC>CGTCA]TGTTGCACTGCCTGGAGCAGGAGGTCCCCCTTGTCACCAGCTGGGGCAGGGAGGGGGCCT-3'